The following is an entry in ClinVar:

NM_001283009.2(RTEL1):c.3515A>T (p.Glu1172Val)

Genes: RTEL1 (regulator of telomere elongation helicase 1; plus strand), RTEL1-TNFRSF6B (RTEL1-TNFRSF6B readthrough (NMD candidate); plus strand). Cytogenetic location: 20q13.33.
Variant type: single nucleotide variant.
Coding change: c.3515A>T on transcript NM_001283009.2 (MANE Select); coding-DNA position 3515, A replaced by T.
Protein change: p.Glu1172Val; replaces glutamic acid 1172 with valine.
Molecular consequence: missense variant. On other transcripts: non-coding transcript variant (1).
Genome position (GRCh38, 1-based): chr20:63,695,343, A>T. VCF-style: chr20-63695343-A-T. GRCh37 (hg19) VCF-style: chr20-62326696-A-T.
Other names: c.2846A>T, p.Glu949Val (NM_001283010.1); c.3515A>T, p.Glu1172Val (NM_016434.4); c.3587A>T, p.Glu1196Val (NM_032957.5); short protein forms E1196V, E949V, E1172V.
Identifiers: ClinVar variation 4825686 (VCV004825686.1).
Genomic context (GRCh38, chr20:63,695,343, plus strand): 5'-CAGCAAAGCCCCAGGCCCCCCTCAGACTCAAGTCTCTGTCTCCAGGCCCCTCACGGTCCG[A>T]GAAGACCGGGAAGACCCAGAGCAAGATCTCGTCCTTCCTTAGACAGAGGCCAGCAGGGAC-3'
Protein context (NP_001269938.1, residues 1162-1182): RAPQPGPSRS[Glu1172Val]KTGKTQSKIS

ClinVar aggregate classification (germline): Uncertain significance (1 of 4 stars; one submission).

Conditions:
Inborn genetic diseases. Identifiers: MedGen C0950123, MeSH D030342.

Submission:

Ambry Genetics
Classification: Uncertain significance for Inborn genetic diseases. Last evaluated: 2026-02-18. Review status: criteria provided, single submitter. Criteria: Ambry Variant Classification Scheme 2023. Collection method: clinical testing. Allele origin: germline.
Comment: The p.E1172V variant (also known as c.3515A>T), located in coding exon 33 of the RTEL1 gene, results from an A to T substitution at nucleotide position 3515. The glutamic acid at codon 1172 is replaced by valine, an amino acid with dissimilar properties. This amino acid position is conserved. In addition, this alteration is predicted to be tolerated by in silico analysis. Based on the available evidence, the clinical significance of this variant remains unclear.